The following is an entry in ClinVar:

NM_201384.3(PLEC):c.2063C>A (p.Pro688Gln)

Gene: PLEC (plectin; minus strand). Cytogenetic location: 8q24.3.
Variant type: single nucleotide variant.
Coding change: c.2063C>A on transcript NM_201384.3 (MANE Select); coding-DNA position 2063, C replaced by A.
Protein change: p.Pro688Gln; replaces proline 688 with glutamine.
Molecular consequence: missense variant.
Genome position (GRCh38, 1-based): chr8:143,932,149, G>T on the plus strand (C>A on the coding strand, the complement: PLEC is on the minus strand). VCF-style: chr8-143932149-G-T. GRCh37 (hg19) VCF-style: chr8-145006317-G-T.
Other names: c.2144C>A, p.Pro715Gln (NM_000445.5); c.2021C>A, p.Pro674Gln (NM_201378.4); c.1997C>A, p.Pro666Gln (NM_201379.3); c.2474C>A, p.Pro825Gln (NM_201380.4); c.1967C>A, p.Pro656Gln (NM_201381.3); c.2063C>A, p.Pro688Gln (NM_201382.4); c.2075C>A, p.Pro692Gln (NM_201383.3); c.2144C>A (NM_000445.3, NM_000445.4); short protein forms P715Q, P825Q, P688Q, P656Q, P666Q, P674Q, P692Q.
Identifiers: ClinVar variation 1411442 (VCV001411442.8), dbSNP rs377358791, ClinGen allele CA372577266.

ClinVar aggregate classification (germline): Uncertain significance. Review status: criteria provided, multiple submitters, no conflicts (2 of 4 stars). 3 submissions from 3 submitters: Uncertain significance (3). Last evaluated 2026-02-23.

Conditions:
Autosomal recessive limb-girdle muscular dystrophy type 2Q (LGMDR17). Also called: MUSCULAR DYSTROPHY, LIMB-GIRDLE, AUTOSOMAL RECESSIVE 17. Identifiers: Orphanet 254361, MedGen C3150989, MONDO:0013390, OMIM 613723.
Epidermolysis bullosa simplex, Ogna type (EBS5A). Also called: Pidermolysis bullosa simplex 5A, Ogna type; EPIDERMOLYSIS BULLOSA SIMPLEX 5A, OGNA TYPE. Identifiers: Orphanet 79401, MedGen C0432317, MONDO:0007555, OMIM 131950.
Epidermolysis bullosa simplex 5B, with muscular dystrophy (EBS5B). Also called: EPIDERMOLYSIS BULLOSA SIMPLEX AND LIMB-GIRDLE MUSCULAR DYSTROPHY; Epidermolysis bullosa simplex with muscular dystrophy. Identifiers: Orphanet 257, MedGen C2931072, MONDO:0009181, OMIM 226670.
Epidermolysis bullosa simplex 5C, with pyloric atresia (EBS5C). Also called: PLEC-Related Epidermolysis Bullosa with Pyloric Atresia; Epidermolysis bullosa simplex with pyloric atresia; PLEC1-Related Epidermolysis Bullosa with Pyloric Atresia. Identifiers: Orphanet 158684, MedGen C2677349, MONDO:0012807, OMIM 612138.
Epidermolysis bullosa simplex with nail dystrophy (EBS5D). Identifiers: MedGen C4225309, MONDO:0014661, OMIM 616487.
PLEC-related disorder. Also called: PLEC-related disorders; PLEC-related condition.
Inborn genetic diseases. Identifiers: MedGen C0950123, MeSH D030342.

gnomAD v4.1: 7 of 1,611,338 alleles (0.00043%); highest among the groups gnomAD compares: South Asian, 0.0011%; no homozygotes.

Submissions (3):

Ambry Genetics
Classification: Uncertain significance for Inborn genetic diseases. Last evaluated: 2026-02-23. Review status: criteria provided, single submitter. Criteria: Ambry Variant Classification Scheme 2023. Collection method: clinical testing. Allele origin: germline.

PreventionGenetics, part of Exact Sciences
Classification: Uncertain significance for PLEC-related condition. Last evaluated: 2025-09-10. Review status: criteria provided, single submitter. Criteria: ACMG Guidelines, 2015. Collection method: clinical testing. Allele origin: germline.
Comment: The PLEC c.2144C>A variant is predicted to result in the amino acid substitution p.Pro715Gln. To our knowledge, this variant has not been reported in the literature or in a large population database (gnomAD), indicating this variant is rare. At this time, the clinical significance of this variant is uncertain due to the absence of conclusive functional and genetic evidence.

Labcorp Genetics (formerly Invitae), Labcorp
Classification: Uncertain significance for Autosomal recessive limb-girdle muscular dystrophy type 2Q; Epidermolysis bullosa simplex, Ogna type; Epidermolysis bullosa simplex with nail dystrophy; Epidermolysis bullosa simplex 5C, with pyloric atresia; Epidermolysis bullosa simplex 5B, with muscular dystrophy. Last evaluated: 2023-12-01. Review status: criteria provided, single submitter. Criteria: Invitae Variant Classification Sherloc (09022015). Collection method: clinical testing. Allele origin: germline.
Comment: This sequence change replaces proline, which is neutral and non-polar, with glutamine, which is neutral and polar, at codon 715 of the PLEC protein (p.Pro715Gln). This variant is not present in population databases (gnomAD no frequency). This variant has not been reported in the literature in individuals affected with PLEC-related conditions. ClinVar contains an entry for this variant (Variation ID: 1411442). Advanced modeling of protein sequence and biophysical properties (such as structural, functional, and spatial information, amino acid conservation, physicochemical variation, residue mobility, and thermodynamic stability) performed at Invitae indicates that this missense variant is not expected to disrupt PLEC protein function with a negative predictive value of 80%. In summary, the available evidence is currently insufficient to determine the role of this variant in disease. Therefore, it has been classified as a Variant of Uncertain Significance.